The following is an entry in ClinVar:

ClinVar aggregate classification (germline): Uncertain significance (1 of 4 stars; one submission).

Conditions:
Retinitis pigmentosa 59 (RP59). Identifiers: Orphanet 791, MedGen C3151227, MONDO:0013468, OMIM 613861.

Submission:

Labcorp Genetics (formerly Invitae), Labcorp
Classification: Uncertain significance for Retinitis pigmentosa 59. Last evaluated: 2021-01-28. Review status: criteria provided, single submitter. Criteria: Invitae Variant Classification Sherloc (09022015). Collection method: clinical testing. Allele origin: germline.
Comment: This variant has not been reported in the literature in individuals with DHDDS-related conditions. In summary, the available evidence is currently insufficient to determine the role of this variant in disease. Therefore, it has been classified as a Variant of Uncertain Significance. Algorithms developed to predict the effect of missense changes on protein structure and function are either unavailable or do not agree on the potential impact of this missense change (SIFT: "Deleterious"; PolyPhen-2: "Probably Damaging"; Align-GVGD: "Class C0"). This variant is not present in population databases (ExAC no frequency). This sequence change replaces threonine with arginine at codon 142 of the DHDDS protein (p.Thr142Arg). The threonine residue is highly conserved and there is a moderate physicochemical difference between threonine and arginine.

NM_205861.3(DHDDS):c.425C>G (p.Thr142Arg)

Gene: DHDDS (dehydrodolichyl diphosphate synthase subunit; plus strand). Cytogenetic location: 1p36.11.
Variant type: single nucleotide variant.
Coding change: c.425C>G on transcript NM_205861.3 (MANE Select); coding-DNA position 425, C replaced by G.
Protein change: p.Thr142Arg; replaces threonine 142 with arginine.
Molecular consequence: missense variant. On other transcripts: intron variant (1).
Genome position (GRCh38, 1-based): chr1:26,446,417, C>G. VCF-style: chr1-26446417-C-G. GRCh37 (hg19) VCF-style: chr1-26772908-C-G.
Other names: c.425C>G, p.Thr142Arg (NM_001243564.2, NM_024887.4); c.146C>G, p.Thr49Arg (NM_001319959.2); c.324-1142C>G (NM_001243565.2); short protein forms T142R, T49R.
Identifiers: ClinVar variation 1384554 (VCV001384554.8), dbSNP rs758751596, ClinGen allele CA339142848.